The following is an entry in ClinVar:

ClinVar aggregate classification (germline): Uncertain significance (1 of 4 stars; one submission).

Conditions:
Inborn genetic diseases. Identifiers: MedGen C0950123, MeSH D030342.

Submission:

Ambry Genetics
Classification: Uncertain significance for Inborn genetic diseases. Last evaluated: 2026-04-28. Review status: criteria provided, single submitter. Criteria: Ambry Variant Classification Scheme 2023. Collection method: clinical testing. Allele origin: germline.
Comment: The p.A214T variant (also known as c.640G>A), located in coding exon 4 of the KDM1A gene, results from a G to A substitution at nucleotide position 640. The alanine at codon 214 is replaced by threonine, an amino acid with similar properties. This amino acid position is conserved. In addition, the in silico prediction for this alteration is inconclusive. Based on the available evidence, the clinical significance of this variant remains unclear.

NM_001009999.3(KDM1A):c.640G>A (p.Ala214Thr)

Gene: KDM1A (lysine demethylase 1A; plus strand). Cytogenetic location: 1p36.12.
Variant type: single nucleotide variant.
Coding change: c.640G>A on transcript NM_001009999.3 (MANE Select); coding-DNA position 640, G replaced by A.
Protein change: p.Ala214Thr; replaces alanine 214 with threonine.
Molecular consequence: missense variant.
Genome position (GRCh38, 1-based): chr1:23,050,449, G>A. VCF-style: chr1-23050449-G-A. GRCh37 (hg19) VCF-style: chr1-23376942-G-A.
Other names: c.580G>A, p.Ala194Thr (NM_001363654.2, NM_001410763.1, NM_015013.4); c.640G>A, p.Ala214Thr (NM_001410762.1); short protein forms A194T, A214T.
Identifiers: ClinVar variation 4858727 (VCV004858727.1).
Genomic context (GRCh38, chr1:23,050,449, plus strand): 5'-GTGGAGGGCGCAGCTTTCCAGAGCCGACTTCCTCATGACCGGATGACTTCTCAAGAAGCA[G>A]CCTGTTTTCCAGATATTATCAGTGGACCACAACAGACCCAGAAGGTTTTTCTTTTCATTA-3'
Protein context (NP_001009999.1, residues 204-224): PHDRMTSQEA[Ala214Thr]CFPDIISGPQ